The following is an entry in ClinVar:

ClinVar aggregate classification (germline): Pathogenic (1 of 4 stars; one submission).

Conditions:
Hereditary breast ovarian cancer syndrome. Also called: Hereditary breast and ovarian cancer syndrome; Hereditary breast and ovarian cancer; Hereditary breast and ovarian cancer syndrome (HBOC); Hereditary breast and/or ovarian cancer syndrome; Breast and ovarian cancer; BRCA1- and BRCA2-Associated Hereditary Breast and Ovarian Cancer. Identifiers: Orphanet 145, MedGen C0677776, MeSH D061325, MONDO:0003582. Disease mechanism: loss of function.

Submission:

Labcorp Genetics (formerly Invitae), Labcorp
Classification: Pathogenic for Hereditary breast ovarian cancer syndrome. Last evaluated: 2022-03-26. Review status: criteria provided, single submitter. Criteria: Invitae Variant Classification Sherloc (09022015). Collection method: clinical testing. Allele origin: germline.
Comment: For these reasons, this variant has been classified as Pathogenic. This variant has not been reported in the literature in individuals affected with BRCA2-related conditions. This variant is not present in population databases (gnomAD no frequency). This sequence change creates a premature translational stop signal (p.Pro2798Leufs*23) in the BRCA2 gene. It is expected to result in an absent or disrupted protein product. Loss-of-function variants in BRCA2 are known to be pathogenic (PMID: 20104584).

Literature cited by the submitters: PubMed 20104584.

NM_000059.4(BRCA2):c.8393del (p.Pro2798fs)

Gene: BRCA2 (BRCA2 DNA repair associated; plus strand). Cytogenetic location: 13q13.1.
Variant type: Deletion.
Coding change: c.8393del on transcript NM_000059.4 (MANE Select); coding-DNA position 8393, one base deleted (C; older notation c.8393delC).
Protein change: p.Pro2798fs; shifts the reading frame from proline 2798.
Molecular consequence: frameshift variant.
Genome position (GRCh38, 1-based): chr13:32,370,463, C deleted; the last of 3 consecutive C bases (chr13:32,370,461-32,370,463); deleting any one gives the same sequence. VCF-style (leftmost placement, unchanged base first): chr13-32370460-AC-A. GRCh37 (hg19) VCF-style: chr13-32944597-AC-A.
Other names: c.8297delC, p.Pro2766Leufs (NM_001406719.1); c.8393delC, p.Pro2798Leufs (NM_001406720.1); c.3461delC, p.Pro1154Leufs (NM_001406721.1); c.1976delC, p.Pro659Leufs (NM_001406722.1); short protein forms P2798fs.
Identifiers: ClinVar variation 2117756 (VCV002117756.4), dbSNP rs886040770, ClinGen allele CA2580087361.